The following is an entry in ClinVar:

NM_001082486.2(ACD):c.676A>G (p.Met226Val)

Gene: ACD (ACD shelterin complex subunit and telomerase recruitment factor; minus strand). Cytogenetic location: 16q22.1.
Variant type: single nucleotide variant.
Coding change: c.676A>G on transcript NM_001082486.2 (MANE Select); coding-DNA position 676, A replaced by G.
Protein change: p.Met226Val; replaces methionine 226 with valine.
Molecular consequence: missense variant.
Genome position (GRCh38, 1-based): chr16:67,658,786, T>C on the plus strand (A>G on the coding strand, the complement: ACD is on the minus strand). VCF-style: chr16-67658786-T-C. GRCh37 (hg19) VCF-style: chr16-67692689-T-C.
Other names: c.676A>G, p.Met226Val (NM_001410884.1); c.667A>G, p.Met223Val (NM_022914.3); short protein forms M223V, M226V.
Identifiers: ClinVar variation 1766646 (VCV001766646.6), dbSNP rs1297777290, ClinGen allele CA396353653.

ClinVar aggregate classification (germline): Uncertain significance. Review status: criteria provided, multiple submitters, no conflicts (2 of 4 stars). 2 submissions from 2 submitters: Uncertain significance (2). Last evaluated 2024-05-31.

Conditions:
Inborn genetic diseases. Identifiers: MedGen C0950123, MeSH D030342.
Dyskeratosis congenita, autosomal dominant 6 (DKCA6). Identifiers: Orphanet 3322, MedGen C4225284, MONDO:0014690, OMIM 616553.

Allele frequency attached by ClinVar (database versions not stated): gnomAD exomes below 0.00001.
gnomAD v4.1: 1 of 1,613,520 alleles (0.000062%); highest among the groups gnomAD compares: East Asian, 0.0022%; no homozygotes.

Submissions (2):

Ambry Genetics
Classification: Uncertain significance for Inborn genetic diseases. Last evaluated: 2024-05-31. Review status: criteria provided, single submitter. Criteria: Ambry Variant Classification Scheme 2023. Collection method: clinical testing. Allele origin: germline.
Comment: The p.M312V variant (also known as c.934A>G), located in coding exon 8 of the ACD gene, results from an A to G substitution at nucleotide position 934. The methionine at codon 312 is replaced by valine, an amino acid with highly similar properties. This amino acid position is conserved. In addition, this alteration is predicted to be tolerated by in silico analysis. Since supporting evidence is limited at this time, the clinical significance of this alteration remains unclear.

Labcorp Genetics (formerly Invitae), Labcorp
Classification: Uncertain significance for Dyskeratosis congenita, autosomal dominant 6. Last evaluated: 2023-04-25. Review status: criteria provided, single submitter. Criteria: Invitae Variant Classification Sherloc (09022015). Collection method: clinical testing. Allele origin: germline.
Comment: In summary, the available evidence is currently insufficient to determine the role of this variant in disease. Therefore, it has been classified as a Variant of Uncertain Significance. Advanced modeling of protein sequence and biophysical properties (such as structural, functional, and spatial information, amino acid conservation, physicochemical variation, residue mobility, and thermodynamic stability) performed at Invitae indicates that this missense variant is not expected to disrupt ACD protein function. ClinVar contains an entry for this variant (Variation ID: 1766646). This variant has not been reported in the literature in individuals affected with ACD-related conditions. This variant is present in population databases (no rsID available, gnomAD 0.006%). This sequence change replaces methionine, which is neutral and non-polar, with valine, which is neutral and non-polar, at codon 312 of the ACD protein (p.Met312Val).